The following is an entry in ClinVar:

ClinVar aggregate classification (germline): Uncertain significance (1 of 4 stars; one submission).

Conditions:
Hereditary cancer-predisposing syndrome. Also called: Neoplastic Syndromes, Hereditary; Tumor predisposition; Hereditary Cancer Syndrome; Hereditary neoplastic syndrome. Identifiers: Orphanet 140162, MedGen C0027672, MeSH D009386, MONDO:0015356.

gnomAD v4.1: 1 of 1,598,706 alleles (0.000063%); highest among the groups gnomAD compares: Non-Finnish European, 0.000086%; no homozygotes.

Submission:

Ambry Genetics
Classification: Uncertain significance for Hereditary cancer-predisposing syndrome. Last evaluated: 2026-08-17. Review status: criteria provided, single submitter. Criteria: Ambry Variant Classification Scheme 2023. Collection method: clinical testing. Allele origin: germline.
Comment: The p.I58M variant (also known as c.174C>G), located in coding exon 3 of the SDHC gene, results from a C to G substitution at nucleotide position 174. The isoleucine at codon 58 is replaced by methionine, an amino acid with highly similar properties. This amino acid position is highly conserved in available vertebrate species. In addition, this alteration is predicted to be deleterious by in silico analysis. Based on the available evidence, the clinical significance of this variant remains unclear.

NM_003001.5(SDHC):c.174C>G (p.Ile58Met)

Gene: SDHC (succinate dehydrogenase complex subunit C; plus strand). Cytogenetic location: 1q23.3.
Variant type: single nucleotide variant.
Coding change: c.174C>G on transcript NM_003001.5 (MANE Select); coding-DNA position 174, C replaced by G.
Protein change: p.Ile58Met; replaces isoleucine 58 with methionine.
Molecular consequence: missense variant. On other transcripts: non-coding transcript variant (1), intron variant (4).
Genome position (GRCh38, 1-based): chr1:161,328,492, C>G. VCF-style: chr1-161328492-C-G. GRCh37 (hg19) VCF-style: chr1-161298282-C-G.
Other names: c.174C>G, p.Ile58Met (NM_001035511.3, NM_001407115.1); c.117C>G, p.Ile39Met (NM_001407116.1, NM_001407117.1, NM_001407121.1); c.63C>G, p.Ile21Met (NM_001407119.1, NM_001407120.1); c.77+4822C>G (NM_001035512.3, NM_001278172.3, NM_001407118.1); c.21-12102C>G (NM_001035513.3); short protein forms I21M, I39M, I58M.
Identifiers: ClinVar variation 4161264 (VCV004161264.2).